The following is an entry in ClinVar:

ClinVar aggregate classification (germline): Uncertain significance (1 of 4 stars; one submission).

Allele frequency attached by ClinVar (database versions not stated): gnomAD exomes 0.00002 and 0.00005; ExAC 0.00004.
gnomAD v4.1: 14 of 1,613,680 alleles (0.00087%); highest among the groups gnomAD compares: Admixed American, 0.023%; no homozygotes.

Submission:

Labcorp Genetics (formerly Invitae), Labcorp
Classification: Uncertain significance. Last evaluated: 2023-06-27. Review status: criteria provided, single submitter. Criteria: Invitae Variant Classification Sherloc (09022015). Collection method: clinical testing. Allele origin: germline.
Comment: In summary, the available evidence is currently insufficient to determine the role of this variant in disease. Therefore, it has been classified as a Variant of Uncertain Significance. An algorithm developed to predict the effect of missense changes on protein structure and function (PolyPhen-2) suggests that this variant is likely to be disruptive. ClinVar contains an entry for this variant (Variation ID: 1475219). This variant has not been reported in the literature in individuals affected with TUBGCP6-related conditions. This variant is present in population databases (rs753511810, gnomAD 0.04%). This sequence change replaces phenylalanine, which is neutral and non-polar, with leucine, which is neutral and non-polar, at codon 215 of the TUBGCP6 protein (p.Phe215Leu).

NM_020461.4(TUBGCP6):c.643T>C (p.Phe215Leu)

Gene: TUBGCP6 (tubulin gamma complex component 6; minus strand). Cytogenetic location: 22q13.33.
Variant type: single nucleotide variant.
Coding change: c.643T>C on transcript NM_020461.4 (MANE Select); coding-DNA position 643, T replaced by C.
Protein change: p.Phe215Leu; replaces phenylalanine 215 with leucine.
Molecular consequence: missense variant.
Genome position (GRCh38, 1-based): chr22:50,243,817, A>G on the plus strand (T>C on the coding strand, the complement: TUBGCP6 is on the minus strand). VCF-style: chr22-50243817-A-G. GRCh37 (hg19) VCF-style: chr22-50682246-A-G.
Other names: short protein forms F215L.
Identifiers: ClinVar variation 1475219 (VCV001475219.5), dbSNP rs753511810, ClinGen allele CA10309009.